The following is an entry in ClinVar:

NM_000439.5(PCSK1):c.1622G>A (p.Arg541Gln)

Genes: CAST (calpastatin; plus strand), PCSK1 (proprotein convertase subtilisin/kexin type 1; minus strand), LOC101929710 (uncharacterized LOC101929710; plus strand). Cytogenetic location: 5q15.
Variant type: single nucleotide variant.
Coding change: c.1622G>A on transcript NM_000439.5 (MANE Select); coding-DNA position 1622, G replaced by A.
Protein change: p.Arg541Gln; replaces arginine 541 with glutamine.
Molecular consequence: missense variant. On other transcripts: intron variant (11).
Genome position (GRCh38, 1-based): chr5:96,397,436, C>T on the plus strand (G>A on the coding strand, the complement: PCSK1 is on the minus strand). VCF-style: chr5-96397436-C-T. GRCh37 (hg19) VCF-style: chr5-95733140-C-T.
Other names: c.1481G>A, p.Arg494Gln (NM_001177875.2); c.-175+17784C>T (NM_001423254.1, NM_001423259.1, NM_001423255.1 and 6 more transcripts); c.-103+17784C>T (NM_001423253.1); c.-40+17784C>T (NM_001423258.1); short protein forms R541Q, R494Q.
Identifiers: ClinVar variation 5002176 (VCV005002176.1).

ClinVar aggregate classification (germline): Uncertain significance (1 of 4 stars; one submission).

Conditions:
PCSK1-related disorder. Also called: PCSK1-related condition.

gnomAD v4.1: 5 of 1,612,634 alleles (0.00031%); highest among the groups gnomAD compares: East Asian, 0.0022%; no homozygotes.

Submission:

PreventionGenetics, part of Exact Sciences
Classification: Uncertain significance for PCSK1-related condition. Last evaluated: 2025-10-08. Review status: criteria provided, single submitter. Criteria: ACMG Guidelines, 2015. Collection method: clinical testing. Allele origin: germline.
Comment: The PCSK1 c.1622G>A variant is predicted to result in the amino acid substitution p.Arg541Gln. To our knowledge, this variant has not been reported in the literature. This variant is reported in 0.0046% of alleles in individuals of European (Finnish) descent in gnomAD. This variant was observed in a cohort of individuals with obesity, and in vitro functional studies showed inconclusive evidence of loss of function (Supplemental Data Set, Shah et al. 2023. PubMed ID: 36864747). At this time, the clinical significance of this variant is uncertain due to the absence of conclusive functional and genetic evidence.